The following is an entry in ClinVar:

ClinVar aggregate classification (germline): Pathogenic/Likely pathogenic. Review status: criteria provided, multiple submitters, no conflicts (2 of 4 stars). 4 submissions from 4 submitters: Pathogenic (2); Likely pathogenic (2). Last evaluated 2025-01-15.

Conditions:
Familial cancer of breast. Also called: hereditary breast carcinoma; BREAST CANCER, FAMILIAL; Hereditary breast cancer. Identifiers: Orphanet 227535, MedGen C0346153, MONDO:0016419, OMIM 114480. Disease mechanism: loss of function.
Ataxia-telangiectasia syndrome (AT). Also called: Ataxia-telangiectasia, complementation group E; LOUIS-BAR SYNDROME; Ataxia-telangiectasia, complementation group D; AT, COMPLEMENTATION GROUP C; Ataxia-telangiectasia; Cerebello-oculocutaneous telangiectasia. Identifiers: Orphanet 100, MedGen C0004135, MONDO:0008840, OMIM 208900.
Hereditary cancer-predisposing syndrome. Also called: Hereditary Cancer Syndrome; Hereditary neoplastic syndrome; Tumor predisposition; Neoplastic Syndromes, Hereditary. Identifiers: Orphanet 140162, MedGen C0027672, MeSH D009386, MONDO:0015356.

Submissions (4):

Natera, Inc.
Classification: Pathogenic for Ataxia-telangiectasia. Last evaluated: 2025-01-15. Review status: criteria provided, single submitter. Criteria: Natera Variant Classification Schema (03/2026). Collection method: clinical testing. Allele origin: germline.
Comment: The c.4110-2A>G variant in ATM is a canonical splice acceptor site variant predicted to affect pre-mRNA splicing, which may result in an abnormal transcript and altered protein product. This variant is expected to result in nonsense mediated decay, truncation, or a dysfunctional protein product. This variant is rare in the general population with a frequency below the threshold expected for the associated phenotype(s). Functional studies show that this variant may disrupt protein function (PMID: 35716007). Another variant at this same site results in an alteration predicted to cause a similar molecular effect has been observed in individual(s) with the associated phenotype. Given the available evidence, this variant is classified as Pathogenic.

Myriad Genetics, Inc.
Classification: Likely pathogenic for Familial cancer of breast. Last evaluated: 2024-01-23. Review status: criteria provided, single submitter. Criteria: Myriad Autosomal Dominant, Autosomal Recessive and X-Linked Classification Criteria (2023). Collection method: clinical testing. Allele origin: unknown.
Comment: This variant is considered likely pathogenic. This variant occurs within a consensus splice junction and is predicted to result in abnormal mRNA splicing of either an out-of-frame exon or an in-frame exon necessary for protein stability and/or normal function.

Ambry Genetics
Classification: Likely pathogenic for Hereditary cancer-predisposing syndrome. Last evaluated: 2023-01-18. Review status: criteria provided, single submitter. Criteria: Ambry Variant Classification Scheme 2023. Collection method: clinical testing. Allele origin: germline.
Comment: The c.4110-2A>G intronic variant results from an A to G substitution two nucleotides before from coding exon 27 in the ATM gene. This variant is considered to be rare based on population cohorts in the Genome Aggregation Database (gnomAD). This nucleotide position is highly conserved in available vertebrate species. In silico splice site analysis predicts that this alteration will weaken the native splice acceptor site. Alterations that disrupt the canonical splice site are expected to cause aberrant splicing, resulting in an abnormal protein or a transcript that is subject to nonsense-mediated mRNA decay. As such, this alteration is classified as likely pathogenic.

Labcorp Genetics (formerly Invitae), Labcorp
Classification: Pathogenic for Ataxia-telangiectasia syndrome. Last evaluated: 2021-07-08. Review status: criteria provided, single submitter. Criteria: Invitae Variant Classification Sherloc (09022015). Collection method: clinical testing. Allele origin: germline.
Comment: This sequence change affects an acceptor splice site in intron 27 of the ATM gene. It is expected to disrupt RNA splicing. Variants that disrupt the donor or acceptor splice site typically lead to a loss of protein function (PMID: 16199547), and loss-of-function variants in ATM are known to be pathogenic (PMID: 23807571, 25614872). This variant is not present in population databases (ExAC no frequency). Disruption of this splice site has been observed in individual(s) with clinical features of ataxia-telangiectasia (PMID: 14695534). Studies have shown that disruption of this splice site alters ATM gene expression (PMID: 14695534). Algorithms developed to predict the effect of sequence changes on RNA splicing suggest that this variant may disrupt the consensus splice site. For these reasons, this variant has been classified as Pathogenic.

Literature cited by the submitters: PubMed 35716007 (cited by Natera, Inc.); PubMed 16199547 (cited by Labcorp Genetics (formerly Invitae), Labcorp); PubMed 23807571 (cited by Labcorp Genetics (formerly Invitae), Labcorp); PubMed 25614872 (cited by Labcorp Genetics (formerly Invitae), Labcorp); PubMed 14695534 (cited by Labcorp Genetics (formerly Invitae), Labcorp).

NM_000051.4(ATM):c.4110-2A>G

Gene: ATM (ATM serine/threonine kinase; plus strand). Cytogenetic location: 11q22.3.
Variant type: single nucleotide variant.
Coding change: c.4110-2A>G on transcript NM_000051.4 (MANE Select); the canonical splice acceptor site of the intron before coding-DNA position 4110, A replaced by G.
Molecular consequence: splice acceptor variant.
Genome position (GRCh38, 1-based): chr11:108,288,975, A>G. VCF-style: chr11-108288975-A-G. GRCh37 (hg19) VCF-style: chr11-108159702-A-G.
Other names: c.4110-2A>G (NM_001351834.2, NM_000051.3).
Identifiers: ClinVar variation 1456468 (VCV001456468.9), dbSNP rs2135750262, ClinGen allele CA382529683.
Genomic context (GRCh38, chr11:108,288,975, plus strand): 5'-CACTGGTCTATGAACAAAACTTTTTAAAACGATGACTGTATTTTTTCCCTTAACTCTGTT[A>G]GGGATTTGGATCCTGCTCCTAATCCACCTCATTTTCCATCGCATGTGATTAAAGCAACAT-3'